The following is an entry in ClinVar:

ClinVar aggregate classification (germline): Benign (1 of 4 stars; one submission).

Conditions:
Fraser syndrome 1 (FRASRS1). Also called: CRYPTOPHTHALMOS WITH OTHER MALFORMATIONS. Identifiers: Orphanet 2052, MedGen C4551480, MONDO:0054737, OMIM 219000.

Allele frequency attached by ClinVar (database versions not stated): gnomAD 0.02285 and 0.02441; 1000 Genomes Project 0.02436; TOPMed 0.02446; 1000 Genomes Project 30x 0.02545.

Submission:

Illumina Laboratory Services, Illumina
Classification: Benign for Fraser syndrome 1. Last evaluated: 2018-01-12. Review status: criteria provided, single submitter. Criteria: ICSL Variant Classification Criteria 13 December 2019. Collection method: clinical testing. Allele origin: germline.
Comment: This variant was observed in the ICSL laboratory as part of a predisposition screen in an ostensibly healthy population. It had not been previously curated by ICSL or reported in the Human Gene Mutation Database (HGMD: prior to June 1st, 2018), and was therefore a candidate for classification through an automated scoring system. Utilizing variant allele frequency, disease prevalence and penetrance estimates, and inheritance mode, an automated score was calculated to assess if this variant is too frequent to cause the disease. Based on the score and internal cut-off values, a variant classified as benign is not then subjected to further curation. The score for this variant resulted in a classification of benign for this disease.

NM_025074.7(FRAS1):c.*751T>G

Gene: FRAS1 (Fraser extracellular matrix complex subunit 1; plus strand). Cytogenetic location: 4q21.21.
Variant type: single nucleotide variant.
Coding change: c.*751T>G on transcript NM_025074.7 (MANE Select); 751 bases downstream of the stop codon, T replaced by G.
Molecular consequence: 3 prime UTR variant.
Genome position (GRCh38, 1-based): chr4:78,541,875, T>G. VCF-style: chr4-78541875-T-G. GRCh37 (hg19) VCF-style: chr4-79463029-T-G.
Identifiers: ClinVar variation 349839 (VCV000349839.5), dbSNP rs6832584, ClinGen allele CA10619330.